The following is an entry in ClinVar:

NM_001330078.2(NRXN1):c.4109C>A (p.Thr1370Lys)

Gene: NRXN1 (neurexin 1; minus strand). Cytogenetic location: 2p16.3.
Variant type: single nucleotide variant.
Coding change: c.4109C>A on transcript NM_001330078.2 (MANE Select); coding-DNA position 4109, C replaced by A.
Protein change: p.Thr1370Lys; replaces threonine 1370 with lysine.
Molecular consequence: missense variant.
Genome position (GRCh38, 1-based): chr2:50,053,290, G>T on the plus strand (C>A on the coding strand, the complement: NRXN1 is on the minus strand). VCF-style: chr2-50053290-G-T. GRCh37 (hg19) VCF-style: chr2-50280428-G-T.
Other names: c.4229C>A, p.Thr1410Lys (NM_001135659.3); c.4085C>A, p.Thr1362Lys (NM_001330077.2, NM_001330082.2); c.3953C>A, p.Thr1318Lys (NM_001330083.2); c.4043C>A, p.Thr1348Lys (NM_001330084.2); c.4082C>A, p.Thr1361Lys (NM_001330085.2); c.4109C>A, p.Thr1370Lys (NM_001330086.2); c.914C>A, p.Thr305Lys (NM_138735.5, NM_001330097.2); c.3908C>A, p.Thr1303Lys (NM_001330087.2, NM_001330096.2); and 6 more; short protein forms T1323K, T1340K, T1348K, T1362K, T1366K, T1369K, T1361K, T1370K.
Identifiers: ClinVar variation 1998880 (VCV001998880.4), dbSNP rs764148753, ClinGen allele CA346819374.
Genomic context (GRCh38, chr2:50,053,290, plus strand): 5'-AATATAGGATGAAAATGAAGGAATAAAATCCACAGGCTCACCTGGCTAATGGGTTCTTTT[G>T]TCGGGGGCTTTCCTCTTCTGGCTGTGCTAGTAGCCAGGGTCGTGGTAGTCTCCATAATTG-3'
Protein context (NP_001317007.1, residues 1360-1380): TSTARRGKPP[Thr1370Lys]KEPISQTTDD

ClinVar aggregate classification (germline): Uncertain significance (1 of 4 stars; one submission).

Conditions:
Pitt-Hopkins-like syndrome 2 (PTHSL2). Identifiers: Orphanet 221150, Orphanet 600663, MedGen C3280479, MONDO:0013690, OMIM 614325.

gnomAD v4.1: 1 of 1,613,928 alleles (0.000062%); highest among the groups gnomAD compares: Non-Finnish European, 0.000085%; no homozygotes.

Submission:

Labcorp Genetics (formerly Invitae), Labcorp
Classification: Uncertain significance for Pitt-Hopkins-like syndrome 2. Last evaluated: 2022-08-01. Review status: criteria provided, single submitter. Criteria: Invitae Variant Classification Sherloc (09022015). Collection method: clinical testing. Allele origin: germline.
Comment: In summary, the available evidence is currently insufficient to determine the role of this variant in disease. Therefore, it has been classified as a Variant of Uncertain Significance. Algorithms developed to predict the effect of missense changes on protein structure and function are either unavailable or do not agree on the potential impact of this missense change (SIFT: "Tolerated"; PolyPhen-2: "Possibly Damaging"; Align-GVGD: "Class C0"). This variant has not been reported in the literature in individuals affected with NRXN1-related conditions. This variant is not present in population databases (gnomAD no frequency). This sequence change replaces threonine, which is neutral and polar, with lysine, which is basic and polar, at codon 1410 of the NRXN1 protein (p.Thr1410Lys).